The following is an entry in ClinVar:

NM_018297.4(NGLY1):c.1799T>C (p.Leu600Pro)

Gene: NGLY1 (N-glycanase 1; minus strand). Cytogenetic location: 3p24.2.
Variant type: single nucleotide variant.
Coding change: c.1799T>C on transcript NM_018297.4 (MANE Select); coding-DNA position 1799, T replaced by C.
Protein change: p.Leu600Pro; replaces leucine 600 with proline.
Molecular consequence: missense variant.
Genome position (GRCh38, 1-based): chr3:25,719,626, A>G on the plus strand (T>C on the coding strand, the complement: NGLY1 is on the minus strand). VCF-style: chr3-25719626-A-G. GRCh37 (hg19) VCF-style: chr3-25761117-A-G.
Other names: c.1745T>C, p.Leu582Pro (NM_001145293.2); c.1673T>C, p.Leu558Pro (NM_001145294.2); c.1621T>C, p.Phe541Leu (NM_001145295.2); short protein forms L600P, F541L, L558P, L582P.
Identifiers: ClinVar variation 1390446 (VCV001390446.3), dbSNP rs770140676, ClinGen allele CA2289047.

ClinVar aggregate classification (germline): Uncertain significance (1 of 4 stars; one submission).

Conditions:
Congenital disorder of deglycosylation (CDDG). Identifiers: MedGen C3808991, MONDO:0031376.

Allele frequency attached by ClinVar (database versions not stated): ExAC 0.00001; gnomAD 0.00001; gnomAD exomes 0.00001 and 0.00002; TOPMed 0.00004.

Submission:

Labcorp Genetics (formerly Invitae), Labcorp
Classification: Uncertain significance for Congenital disorder of deglycosylation. Last evaluated: 2022-08-11. Review status: criteria provided, single submitter. Criteria: Invitae Variant Classification Sherloc (09022015). Collection method: clinical testing. Allele origin: germline.
Comment: This sequence change replaces leucine, which is neutral and non-polar, with proline, which is neutral and non-polar, at codon 600 of the NGLY1 protein (p.Leu600Pro). This variant is present in population databases (rs770140676, gnomAD 0.01%). This variant has not been reported in the literature in individuals affected with NGLY1-related conditions. ClinVar contains an entry for this variant (Variation ID: 1390446). Algorithms developed to predict the effect of missense changes on protein structure and function output the following: SIFT: "Tolerated"; PolyPhen-2: "Benign"; Align-GVGD: "Class C0". The proline amino acid residue is found in multiple mammalian species, which suggests that this missense change does not adversely affect protein function. In summary, the available evidence is currently insufficient to determine the role of this variant in disease. Therefore, it has been classified as a Variant of Uncertain Significance.